The following is an entry in ClinVar:

NM_006206.6(PDGFRA):c.2440-4G>A

Gene: PDGFRA (platelet derived growth factor receptor alpha; plus strand). Cytogenetic location: 4q12.
Variant type: single nucleotide variant.
Coding change: c.2440-4G>A on transcript NM_006206.6 (MANE Select); 4 bases into the intron before coding-DNA position 2440, G replaced by A.
Molecular consequence: intron variant.
Genome position (GRCh38, 1-based): chr4:54,285,837, G>A. VCF-style: chr4-54285837-G-A. GRCh37 (hg19) VCF-style: chr4-55152004-G-A.
Other names: c.2515-4G>A (NM_001347828.2); c.2440-4G>A (NM_001347829.2); c.2479-4G>A (NM_001347830.2).
Identifiers: ClinVar variation 459057 (VCV000459057.19), dbSNP rs1161020062, ClinGen allele CA658655843.
Genomic context (GRCh38, chr4:54,285,837, plus strand): 5'-CAGGGGTGATGCTATTCAGCTACAGATGGCTTGATCCTGAGTCATTTCTTCCTTTTCCAT[G>A]CAGTGTGTCCACCGTGATCTGGCTGCTCGCAACGTCCTCCTGGCACAAGGAAAAATTGTG-3'

ClinVar aggregate classification (germline): Likely benign. Review status: criteria provided, multiple submitters, no conflicts (2 of 4 stars). 3 submissions from 3 submitters: Likely benign (3). Last evaluated 2026-06-15.

Conditions:
Polyps, multiple and recurrent inflammatory fibroid, gastrointestinal. Identifiers: MedGen C5193005, MONDO:0008285, OMIM 175510.
Hereditary cancer-predisposing syndrome. Also called: Tumor predisposition; Hereditary neoplastic syndrome; Neoplastic Syndromes, Hereditary; Hereditary Cancer Syndrome. Identifiers: Orphanet 140162, MedGen C0027672, MeSH D009386, MONDO:0015356.
Gastrointestinal stromal tumor. Also called: Gastrointestinal stroma tumor; Gastrointestinal stromal tumor, somatic. Identifiers: Orphanet 44890, MedGen C0238198, MeSH D046152, MONDO:0011719, OMIM 606764, HP:0100723.

Allele frequency attached by ClinVar (database versions not stated): TOPMed below 0.00001; gnomAD 0.00001.
gnomAD v4.1: 1 of 1,613,890 alleles (0.000062%); highest among the groups gnomAD compares: Non-Finnish European, 0.000085%; no homozygotes.

Submissions (3):

Myriad Genetics, Inc.
Classification: Likely benign for Polyps, multiple and recurrent inflammatory fibroid, gastrointestinal. Last evaluated: 2026-06-15. Review status: criteria provided, single submitter. Criteria: Myriad Autosomal Dominant, Autosomal Recessive and X-Linked Classification Criteria (2023). Collection method: clinical testing. Allele origin: unknown.
Comment: This variant is considered likely benign. This variant is intronic and is not expected to impact mRNA splicing.

Ambry Genetics
Classification: Likely benign for Hereditary cancer-predisposing syndrome. Last evaluated: 2026-03-06. Review status: criteria provided, single submitter. Criteria: Ambry Variant Classification Scheme 2023. Collection method: clinical testing. Allele origin: germline.

Labcorp Genetics (formerly Invitae), Labcorp
Classification: Likely benign for Gastrointestinal stromal tumor. Last evaluated: 2025-02-17. Review status: criteria provided, single submitter. Criteria: Invitae Variant Classification Sherloc (09022015). Collection method: clinical testing. Allele origin: germline.